The following is an entry in ClinVar:

NM_138691.3(TMC1):c.236C>A (p.Ala79Glu)

Gene: TMC1 (transmembrane channel like 1; plus strand). Cytogenetic location: 9q21.13.
Variant type: single nucleotide variant.
Coding change: c.236C>A on transcript NM_138691.3 (MANE Select); coding-DNA position 236, C replaced by A.
Protein change: p.Ala79Glu; replaces alanine 79 with glutamic acid.
Molecular consequence: missense variant.
Genome position (GRCh38, 1-based): chr9:72,694,714, C>A. VCF-style: chr9-72694714-C-A. GRCh37 (hg19) VCF-style: chr9-75309630-C-A.
Other names: short protein forms A79E.
Identifiers: ClinVar variation 1686765 (VCV001686765.4), dbSNP rs140482278, ClinGen allele CA5081623.
Genomic context (GRCh38, chr9:72,694,714, plus strand): 5'-AGGATGAAGAAACAAGGAAGGCAAGAGAAAAAGAGAGGAGGAGGAGGCTAAAGAGAGGAG[C>A]GTAAGTTAGTTCTGATATTCTTTCAAAAGTTCCAATGCTGAAGAAGATCACTCCTTTCAG-3'
Protein context (NP_619636.2, residues 69-89): KERRRRLKRG[Ala79Glu]EEEEIDEEEL

ClinVar aggregate classification (germline): Uncertain significance. Review status: criteria provided, multiple submitters, no conflicts (2 of 4 stars). 2 submissions from 2 submitters: Uncertain significance (2). Last evaluated 2024-04-12.

Allele frequency attached by ClinVar (database versions not stated): ESP Exome Variant Server 0.00008.
gnomAD v4.1: 2 of 1,605,154 alleles (0.00012%); highest among the groups gnomAD compares: Admixed American, 0.0017%; no homozygotes.

Submissions (2):

Labcorp Genetics (formerly Invitae), Labcorp
Classification: Uncertain significance. Last evaluated: 2024-04-12. Review status: criteria provided, single submitter. Criteria: Invitae Variant Classification Sherloc (09022015). Collection method: clinical testing. Allele origin: germline.
Comment: This sequence change replaces alanine, which is neutral and non-polar, with glutamic acid, which is acidic and polar, at codon 79 of the TMC1 protein (p.Ala79Glu). This variant is not present in population databases (gnomAD no frequency). This variant has not been reported in the literature in individuals affected with TMC1-related conditions. ClinVar contains an entry for this variant (Variation ID: 1686765). Algorithms developed to predict the effect of missense changes on protein structure and function output the following: SIFT: "Not Available"; PolyPhen-2: "Probably Damaging"; Align-GVGD: "Not Available". The glutamic acid amino acid residue is found in multiple mammalian species, which suggests that this missense change does not adversely affect protein function. In summary, the available evidence is currently insufficient to determine the role of this variant in disease. Therefore, it has been classified as a Variant of Uncertain Significance.

GeneDx
Classification: Uncertain significance. Last evaluated: 2022-05-11. Review status: criteria provided, single submitter. Criteria: GeneDx Variant Classification Process June 2021. Collection method: clinical testing. Allele origin: germline. Affected: yes.
Comment: Not observed at significant frequency in large population cohorts (gnomAD); In silico analysis supports that this missense variant does not alter protein structure/function; Has not been previously published as pathogenic or benign to our knowledge